The following is an entry in ClinVar:

NM_007118.4(TRIO):c.7432C>G (p.Pro2478Ala)

Gene: TRIO (trio Rho guanine nucleotide exchange factor; plus strand). Cytogenetic location: 5p15.2.
Variant type: single nucleotide variant.
Coding change: c.7432C>G on transcript NM_007118.4 (MANE Select); coding-DNA position 7432, C replaced by G.
Protein change: p.Pro2478Ala; replaces proline 2478 with alanine.
Molecular consequence: missense variant.
Genome position (GRCh38, 1-based): chr5:14,488,060, C>G. VCF-style: chr5-14488060-C-G. GRCh37 (hg19) VCF-style: chr5-14488169-C-G.
Other names: short protein forms P2478A.
Identifiers: ClinVar variation 2655348 (VCV002655348.24), dbSNP rs1315149477, ClinGen allele CA359237448.

ClinVar aggregate classification (germline): Uncertain significance (1 of 4 stars; one submission).

Submission:

CeGaT Center for Human Genetics Tuebingen
Classification: Uncertain significance. Last evaluated: 2022-09-01. Review status: criteria provided, single submitter. Criteria: CeGaT Center For Human Genetics Tuebingen Variant Classification Criteria Version 2. Collection method: clinical testing. Allele origin: germline. Affected: yes. Observed: 1 variant allele.
Comment: TRIO: PM2